The following is an entry in ClinVar:

NM_178352.3(LCE1D):c.72C>T (p.Cys24=)

Gene: LCE1D (late cornified envelope 1D; plus strand). Cytogenetic location: 1q21.3.
Variant type: single nucleotide variant.
Coding change: c.72C>T on transcript NM_178352.3 (MANE Select); coding-DNA position 72, C replaced by T.
Protein change: p.Cys24=; no amino-acid change (cysteine 24 retained).
Molecular consequence: synonymous variant.
Genome position (GRCh38, 1-based): chr1:152,797,866, C>T. VCF-style: chr1-152797866-C-T. GRCh37 (hg19) VCF-style: chr1-152770342-C-T.
Identifiers: ClinVar variation 4681428 (VCV004681428.5).

ClinVar aggregate classification (germline): Likely benign (1 of 4 stars; one submission).

Submission:

CeGaT Center for Human Genetics Tuebingen
Classification: Likely benign. Last evaluated: 2025-12-01. Review status: criteria provided, single submitter. Criteria: CeGaT Center For Human Genetics Tuebingen Variant Classification Criteria Version 2. Collection method: clinical testing. Allele origin: germline. Affected: yes. Observed: 1 variant allele.
Comment: LCE1D: BP4, BP7